The following is an entry in ClinVar:

ClinVar aggregate classification (germline): Uncertain significance. Review status: criteria provided, multiple submitters, no conflicts (2 of 4 stars). 2 submissions from 2 submitters: Uncertain significance (2). Last evaluated 2024-10-10.

Conditions:
Hereditary cancer-predisposing syndrome. Also called: Tumor predisposition; Hereditary neoplastic syndrome; Neoplastic Syndromes, Hereditary; Hereditary Cancer Syndrome. Identifiers: Orphanet 140162, MedGen C0027672, MeSH D009386, MONDO:0015356.
Retinoblastoma (RB1). Also called: RETINOBLASTOMA, SOMATIC. Identifiers: Orphanet 790, MedGen C0035335, MeSH D012175, MONDO:0008380, OMIM 180200, HP:0009919. Disease mechanism: loss of function. Inheritance: Both sporadic and heritable forms are tested..

gnomAD v4.1: 3 of 1,613,566 alleles (0.00019%); highest among the groups gnomAD compares: Non-Finnish European, 0.00025%; no homozygotes.

Submissions (2):

Labcorp Genetics (formerly Invitae), Labcorp
Classification: Uncertain significance for Retinoblastoma. Last evaluated: 2024-10-10. Review status: criteria provided, single submitter. Criteria: Invitae Variant Classification Sherloc (09022015). Collection method: clinical testing. Allele origin: germline.
Comment: This sequence change replaces arginine, which is basic and polar, with leucine, which is neutral and non-polar, at codon 556 of the RB1 protein (p.Arg556Leu). This variant is not present in population databases (gnomAD no frequency). This variant has not been reported in the literature in individuals affected with RB1-related conditions. ClinVar contains an entry for this variant (Variation ID: 1493151). Invitae Evidence Modeling of protein sequence and biophysical properties (such as structural, functional, and spatial information, amino acid conservation, physicochemical variation, residue mobility, and thermodynamic stability) indicates that this missense variant is not expected to disrupt RB1 protein function with a negative predictive value of 80%. In summary, the available evidence is currently insufficient to determine the role of this variant in disease. Therefore, it has been classified as a Variant of Uncertain Significance.

Ambry Genetics
Classification: Uncertain significance for Hereditary cancer-predisposing syndrome. Last evaluated: 2024-04-03. Review status: criteria provided, single submitter. Criteria: Ambry Variant Classification Scheme 2023. Collection method: clinical testing. Allele origin: germline.
Comment: The p.R556L variant (also known as c.1667G>T), located in coding exon 17 of the RB1 gene, results from a G to T substitution at nucleotide position 1667. The arginine at codon 556 is replaced by leucine, an amino acid with dissimilar properties. This amino acid position is not well conserved in available vertebrate species. In addition, the in silico prediction for this alteration is inconclusive. Based on the available evidence, the clinical significance of this alteration remains unclear.

NM_000321.3(RB1):c.1667G>T (p.Arg556Leu)

Gene: RB1 (RB transcriptional corepressor 1; plus strand). Cytogenetic location: 13q14.2.
Variant type: single nucleotide variant.
Coding change: c.1667G>T on transcript NM_000321.3 (MANE Select); coding-DNA position 1667, G replaced by T.
Protein change: p.Arg556Leu; replaces arginine 556 with leucine.
Molecular consequence: missense variant.
Genome position (GRCh38, 1-based): chr13:48,381,415, G>T. VCF-style: chr13-48381415-G-T. GRCh37 (hg19) VCF-style: chr13-48955551-G-T.
Other names: c.1667G>T (NM_000321.2); short protein forms R556L.
Identifiers: ClinVar variation 1493151 (VCV001493151.7), dbSNP rs773116120, ClinGen allele CA388163994.